The following is an entry in ClinVar:

ClinVar aggregate classification (germline): Uncertain significance. Review status: criteria provided, multiple submitters, no conflicts (2 of 4 stars). 2 submissions from 2 submitters: Uncertain significance (2). Last evaluated 2022-09-29.

Conditions:
Emery-Dreifuss muscular dystrophy 5, autosomal dominant (EDMD5). Also called: EMERY-DREIFUSS MUSCULAR DYSTROPHY 5. Identifiers: Orphanet 261, MedGen C2751805, MONDO:0013072, OMIM 612999.

Allele frequency attached by ClinVar (database versions not stated): gnomAD exomes 0.00001 and 0.00002; ExAC 0.00002; TOPMed 0.00003; gnomAD 0.00005.
gnomAD v4.1: 22 of 1,614,042 alleles (0.0014%); highest among the groups gnomAD compares: Non-Finnish European, 0.0019%; no homozygotes.

Submissions (2):

Ambry Genetics
Classification: Uncertain significance. Last evaluated: 2022-09-29. Review status: criteria provided, single submitter. Criteria: Ambry Variant Classification Scheme 2023. Collection method: clinical testing. Allele origin: germline.

Labcorp Genetics (formerly Invitae), Labcorp
Classification: Uncertain significance for Emery-Dreifuss muscular dystrophy 5, autosomal dominant. Last evaluated: 2021-01-04. Review status: criteria provided, single submitter. Criteria: Invitae Variant Classification Sherloc (09022015). Collection method: clinical testing. Allele origin: germline.
Comment: Algorithms developed to predict the effect of missense changes on protein structure and function are either unavailable or do not agree on the potential impact of this missense change (SIFT: "Tolerated"; PolyPhen-2: "Possibly Damaging"; Align-GVGD: "Class C0"). This variant has not been reported in the literature in individuals with SYNE2-related conditions. The frequency data for this variant in the population databases is considered unreliable, as metrics indicate poor data quality at this position in the ExAC database. This sequence change replaces alanine with valine at codon 1330 of the SYNE2 protein (p.Ala1330Val). The alanine residue is weakly conserved and there is a small physicochemical difference between alanine and valine. In summary, the available evidence is currently insufficient to determine the role of this variant in disease. Therefore, it has been classified as a Variant of Uncertain Significance.

NM_182914.3(SYNE2):c.3989C>T (p.Ala1330Val)

Gene: SYNE2 (spectrin repeat containing nuclear envelope protein 2; plus strand). Cytogenetic location: 14q23.2.
Variant type: single nucleotide variant.
Coding change: c.3989C>T on transcript NM_182914.3 (MANE Select); coding-DNA position 3989, C replaced by T.
Protein change: p.Ala1330Val; replaces alanine 1330 with valine.
Molecular consequence: missense variant.
Genome position (GRCh38, 1-based): chr14:64,002,922, C>T. VCF-style: chr14-64002922-C-T. GRCh37 (hg19) VCF-style: chr14-64469640-C-T.
Other names: c.3989C>T, p.Ala1330Val (NM_015180.6); c.3989C>T (NM_182914.2); short protein forms A1330V.
Identifiers: ClinVar variation 1508300 (VCV001508300.9), dbSNP rs762901807, ClinGen allele CA7220113.